The following is an entry in ClinVar:

NM_001164508.2(NEB):c.13788+12C>G

Gene: NEB (nebulin; minus strand). Cytogenetic location: 2q23.3.
Variant type: single nucleotide variant.
Coding change: c.13788+12C>G on transcript NM_001164508.2 (MANE Select); 12 bases into the intron after coding-DNA position 13788, C replaced by G.
Molecular consequence: intron variant.
Genome position (GRCh38, 1-based): chr2:151,600,430, G>C on the plus strand (C>G on the coding strand, the complement: NEB is on the minus strand). VCF-style: chr2-151600430-G-C. GRCh37 (hg19) VCF-style: chr2-152456944-G-C.
Other names: c.11601+9379C>G (NM_004543.5); c.13788+12C>G (NM_001164507.2, NM_001271208.2).
Identifiers: ClinVar variation 227731 (VCV000227731.8), dbSNP rs876657543, ClinGen allele CA10576437.

ClinVar aggregate classification (germline): Likely benign. Review status: criteria provided, multiple submitters, no conflicts (2 of 4 stars). 4 submissions from 4 submitters: Likely benign (4). Last evaluated 2026-02-04.

Conditions:
Nemaline myopathy 2 (NEM2). Also called: Nemaline myopathy 2, autosomal recessive. Identifiers: MedGen C1850569, MONDO:0009725, OMIM 256030.

Allele frequency attached by ClinVar (database versions not stated): gnomAD exomes 0.14589.

Submissions (4):

Labcorp Genetics (formerly Invitae), Labcorp
Classification: Likely benign for Nemaline myopathy 2. Last evaluated: 2026-02-04. Review status: criteria provided, single submitter. Criteria: Invitae Variant Classification Sherloc (09022015). Collection method: clinical testing. Allele origin: germline.

GeneDx
Classification: Likely benign. Last evaluated: 2017-03-20. Review status: criteria provided, single submitter. Criteria: GeneDx Variant Classification (06012015). Collection method: clinical testing. Allele origin: germline. Affected: yes.
Comment: This variant is considered likely benign or benign based on one or more of the following criteria: it is a conservative change, it occurs at a poorly conserved position in the protein, it is predicted to be benign by multiple in silico algorithms, and/or has population frequency not consistent with disease.

Laboratory for Molecular Medicine, Mass General Brigham Personalized Medicine
Classification: Likely benign. Last evaluated: 2014-12-19. Review status: criteria provided, single submitter. Criteria: LMM Criteria. Collection method: clinical testing. Allele origin: germline. Observed: 4 variant alleles.
Comment: NEB exons 82-105 are organized in three repetitive blocks of 8 exons each and be cause these blocks are nearly identical in sequence, homologous exons (e.g., exo ns 82, 90, and 98) are co-amplified and sequenced (each amplicon consists of 6 a lleles). This variant represents a nonhomologous position within the three repet itive blocks (c.13788+12C, c.15246+12C, and c.16704+12G). The variable alleles a t this position are not expected to have clinical significance because these pos itions are not located within the splice consensus sequence.

PreventionGenetics, part of Exact Sciences
Classification: Likely benign. Review status: criteria provided, single submitter. Criteria: ACMG Guidelines, 2015. Collection method: clinical testing. Allele origin: germline.